The following is an entry in ClinVar:

ClinVar aggregate classification (germline): Pathogenic. Review status: reviewed by expert panel (3 of 4 stars). 7 submissions from 7 submitters: Pathogenic (1). 6 of the submissions do not count toward it. Last evaluated 2016-10-18.

Conditions:
Hereditary cancer-predisposing syndrome. Also called: Tumor predisposition; Hereditary Cancer Syndrome; Neoplastic Syndromes, Hereditary; Hereditary neoplastic syndrome. Identifiers: Orphanet 140162, MedGen C0027672, MeSH D009386, MONDO:0015356.
Hereditary breast ovarian cancer syndrome. Also called: Hereditary breast and ovarian cancer syndrome; Hereditary breast and ovarian cancer; Hereditary breast and ovarian cancer syndrome (HBOC); BRCA1- and BRCA2-Associated Hereditary Breast and Ovarian Cancer; Hereditary breast and/or ovarian cancer syndrome; Breast and ovarian cancer. Identifiers: Orphanet 145, MedGen C0677776, MeSH D061325, MONDO:0003582. Disease mechanism: loss of function.
Breast-ovarian cancer, familial, susceptibility to, 1 (BROVCA1). Also called: OVARIAN CANCER, SUSCEPTIBILITY TO; BRCA1 Hereditary Breast and Ovarian Cancer. Identifiers: Orphanet 145, MedGen C2676676, MONDO:0011450, OMIM 604370. Disease mechanism: loss of function.

Submissions (7):

Evidence-based Network for the Interpretation of Germline Mutant Alleles (ENIGMA)
Classification: Pathogenic for Breast-ovarian cancer, familial, susceptibility to, 1. Last evaluated: 2016-10-18. Review status: reviewed by expert panel. Criteria: ENIGMA BRCA1/2 Classification Criteria (2015). Collection method: curation. Allele origin: germline.
Comment: Variant allele predicted to encode a truncated non-functional protein.

CeGaT Center for Human Genetics Tuebingen
Classification: Pathogenic. Last evaluated: 2025-09-01. Review status: criteria provided, single submitter. Criteria: CeGaT Center For Human Genetics Tuebingen Variant Classification Criteria Version 2. Collection method: clinical testing. Allele origin: germline. Affected: yes. Observed: 1 variant allele. Not counted in ClinVar's aggregate classification.
Comment: BRCA1: PVS1, PM2, PS4:Supporting

Women's Health and Genetics/Laboratory Corporation of America, LabCorp
Classification: Pathogenic for Hereditary breast ovarian cancer syndrome. Last evaluated: 2025-05-02. Review status: criteria provided, single submitter. Criteria: LabCorp Variant Classification Summary - May 2015. Collection method: clinical testing. Allele origin: germline. Not counted in ClinVar's aggregate classification.
Comment: Variant summary: BRCA1 c.1252dupG (p.Glu418GlyfsX4) results in a premature termination codon, predicted to cause a truncation of the encoded protein or absence of the protein due to nonsense mediated decay, which are commonly known mechanisms for disease. The variant was absent in 250828 control chromosomes. c.1252dupG has been observed in individual(s) with a personal and/or family history of Hereditary Breast And Ovarian Cancer Syndrome (Meisel_2017). These report(s) do not provide unequivocal conclusions about association of the variant with Hereditary Breast And Ovarian Cancer Syndrome. To our knowledge, no experimental evidence demonstrating an impact on protein function has been reported. The following publication have been ascertained in the context of this evaluation (PMID: 28324225). ClinVar contains an entry for this variant (Variation ID: 266148). Based on the evidence outlined above, the variant was classified as pathogenic.

Labcorp Genetics (formerly Invitae), Labcorp
Classification: Pathogenic for Hereditary breast ovarian cancer syndrome. Last evaluated: 2024-05-31. Review status: criteria provided, single submitter. Criteria: Invitae Variant Classification Sherloc (09022015). Collection method: clinical testing. Allele origin: germline. Not counted in ClinVar's aggregate classification.
Comment: This sequence change creates a premature translational stop signal (p.Glu418Glyfs*4) in the BRCA1 gene. It is expected to result in an absent or disrupted protein product. Loss-of-function variants in BRCA1 are known to be pathogenic (PMID: 20104584). This variant is not present in population databases (gnomAD no frequency). This premature translational stop signal has been observed in individual(s) with a personal and/or family history of breast and/or ovarian cancer (PMID: 28324225). This variant is also known as c.1252_1253insG. ClinVar contains an entry for this variant (Variation ID: 266148). For these reasons, this variant has been classified as Pathogenic.

Ambry Genetics
Classification: Pathogenic for Hereditary cancer-predisposing syndrome. Last evaluated: 2020-12-01. Review status: criteria provided, single submitter. Criteria: Ambry Variant Classification Scheme 2023. Collection method: clinical testing. Allele origin: germline. Not counted in ClinVar's aggregate classification.
Comment: The c.1252dupG pathogenic mutation, located in coding exon 9 of the BRCA1 gene, results from a duplication of G at nucleotide position 1252, causing a translational frameshift with a predicted alternate stop codon (p.E418Gfs*4). This alteration was identified in a large, worldwide study of BRCA1/2 mutation positive families (Rebbeck TR et al. Hum Mutat, 2018 05;39:593-620). In addition to the clinical data presented in the literature, this alteration is expected to result in loss of function by premature protein truncation or nonsense-mediated mRNA decay. As such, this alteration is interpreted as a disease-causing mutation.

Consortium of Investigators of Modifiers of BRCA1/2 (CIMBA), c/o University of Cambridge
Classification: Pathogenic for Breast-ovarian cancer, familial, susceptibility to, 1. Last evaluated: 2015-10-02. Review status: criteria provided, single submitter. Criteria: CIMBA Mutation Classification guidelines May 2016. Collection method: clinical testing. Allele origin: germline. Not counted in ClinVar's aggregate classification.

Research Molecular Genetics Laboratory, Women's College Hospital, University of Toronto
Classification: Pathogenic for Hereditary breast ovarian cancer syndrome. Last evaluated: 2014-01-31. Review status: no assertion criteria provided. Collection method: research. Allele origin: germline. Affected: yes. Study: The Canadian Open Genetics Repository (COGR). Not counted in ClinVar's aggregate classification.

Literature cited by the submitters: PubMed 28324225 (cited by Women's Health and Genetics/Laboratory Corporation of America, LabCorp and Labcorp Genetics (formerly Invitae), Labcorp); PubMed 20104584 (cited by Labcorp Genetics (formerly Invitae), Labcorp); PubMed 29446198 (cited by Ambry Genetics).

NM_007294.4(BRCA1):c.1252dup (p.Glu418fs)

Gene: BRCA1 (BRCA1 DNA repair associated; minus strand). Cytogenetic location: 17q21.31.
Variant type: Duplication.
Coding change: c.1252dup on transcript NM_007294.4 (MANE Select); coding-DNA position 1252, one base duplicated (G; older notation c.1252dupG).
Protein change: p.Glu418fs; shifts the reading frame from glutamic acid 418.
Molecular consequence: frameshift variant. On other transcripts: intron variant (137).
Genome position (GRCh38, 1-based): chr17:43,094,279, C duplicated on the plus strand (G on the coding strand, the reverse complement: BRCA1 is on the minus strand). VCF-style (leftmost placement, unchanged base first): chr17-43094278-T-TC. GRCh37 (hg19) VCF-style: chr17-41246295-T-TC.
Other names: 1371_1372insG; c.1252dupG (NM_007294.3); c.1039dup, p.Glu347fs (NM_001407571.1, NM_001407853.1, NM_001407894.1 and 9 more transcripts); c.1252dup, p.Glu418fs (NM_001407581.1, NM_001407582.1, NM_001407583.1 and 30 more transcripts); c.1249dup, p.Glu417fs (NM_001407587.1, NM_001407590.1, NM_001407591.1 and 22 more transcripts); c.1243dup, p.Glu415fs (NM_001407646.1, NM_001407647.1); c.1129dup, p.Glu377fs (NM_001407648.1, NM_001407664.1, NM_001407665.1 and 19 more transcripts); c.1126dup, p.Glu376fs (NM_001407649.1, NM_001407670.1, NM_001407671.1 and 11 more transcripts); and 42 more; short protein forms E418fs, E371fs, E290fs, E329fs, E330fs, E347fs, E376fs, E377fs.
Identifiers: ClinVar variation 266148 (VCV000266148.26), dbSNP rs886039936, ClinGen allele CA10589956.
Genomic context (GRCh38, chr17:43,094,278, plus strand): 5'-TCATGAGGATCACTGGCCAGTAAGTCTATTTTCTCTGAAGAACCAGAATATTCATCTACC[T>TC]CATTTAGAACGTCCAATACATCAGCTACTTTGGCATTTGATTCAGACTCCCCATCATGTG-3'